The following is an entry in ClinVar:

ClinVar aggregate classification (germline): Likely benign (1 of 4 stars; one submission).

Conditions:
Familial cancer of breast. Also called: hereditary breast carcinoma; BREAST CANCER, FAMILIAL; Hereditary breast cancer. Identifiers: Orphanet 227535, MedGen C0346153, MONDO:0016419, OMIM 114480. Disease mechanism: loss of function.

Allele frequency attached by ClinVar (database versions not stated): gnomAD exomes below 0.00001.
gnomAD v4.1: 1 of 1,347,810 alleles (0.000074%); highest among the groups gnomAD compares: Non-Finnish European, 0.00011%; no homozygotes.

Submission:

Myriad Genetics, Inc.
Classification: Likely benign for Familial cancer of breast. Last evaluated: 2024-06-07. Review status: criteria provided, single submitter. Criteria: Myriad Autosomal Dominant, Autosomal Recessive and X-Linked Classification Criteria (2023). Collection method: clinical testing. Allele origin: unknown.
Comment: This variant is considered likely benign. This variant is intronic and is not expected to impact mRNA splicing.

NM_000051.4(ATM):c.6573-15T>C

Genes: ATM (ATM serine/threonine kinase; plus strand), C11orf65 (chromosome 11 open reading frame 65; minus strand). Cytogenetic location: 11q22.3.
Variant type: single nucleotide variant.
Coding change: c.6573-15T>C on transcript NM_000051.4 (MANE Select); 15 bases into the intron before coding-DNA position 6573, T replaced by C.
Molecular consequence: intron variant.
Genome position (GRCh38, 1-based): chr11:108,325,295, T>C. VCF-style: chr11-108325295-T-C. GRCh37 (hg19) VCF-style: chr11-108196022-T-C.
Other names: c.6573-15T>C (NM_001351834.2); c.641-16224A>G (NM_001330368.2); c.*38+9925A>G (NM_001351110.2).
Identifiers: ClinVar variation 3253842 (VCV003253842.1), dbSNP rs2136305758.